The following is an entry in ClinVar:

NM_001374736.1(DST):c.17450A>T (p.Gln5817Leu)

Gene: DST (dystonin; minus strand). Cytogenetic location: 6p12.1.
Variant type: single nucleotide variant.
Coding change: c.17450A>T on transcript NM_001374736.1 (MANE Select); coding-DNA position 17450, A replaced by T.
Protein change: p.Gln5817Leu; replaces glutamine 5817 with leucine.
Molecular consequence: missense variant. On other transcripts: intron variant (2).
Genome position (GRCh38, 1-based): chr6:56,529,593, T>A on the plus strand (A>T on the coding strand, the complement: DST is on the minus strand). VCF-style: chr6-56529593-T-A. GRCh37 (hg19) VCF-style: chr6-56394391-T-A.
Other names: c.11093A>T, p.Gln3698Leu (NM_001144769.5); c.10679A>T, p.Gln3560Leu (NM_001144770.2); c.17450A>T, p.Gln5817Leu (NM_001374722.1); c.17477A>T, p.Gln5826Leu (NM_001374734.1); c.10559A>T, p.Gln3520Leu (NM_001386100.1, NM_183380.4); c.9581A>T, p.Gln3194Leu (NM_015548.5); c.10377+381A>T (NM_001374730.1); c.16635+381A>T (NM_001374729.1); short protein forms Q3194L, Q3520L, Q3560L, Q5826L, Q3698L, Q5817L.
Identifiers: ClinVar variation 1405499 (VCV001405499.6), dbSNP rs761791970, ClinGen allele CA364508233.

ClinVar aggregate classification (germline): Uncertain significance (1 of 4 stars; one submission).

Conditions:
Epidermolysis bullosa simplex 3, localized or generalized intermediate, with BP230 deficiency (EBS3). Also called: Epidermolysis bullosa simplex, autosomal recessive 2; Epidermolysis bullosa simplex due to BP230 deficiency. Identifiers: Orphanet 412181, MedGen C3809470, MONDO:0014180, OMIM 615425.
Hereditary sensory and autonomic neuropathy type 6. Also called: HSAN VI; Neuropathy, hereditary sensory and autonomic, type VI. Identifiers: Orphanet 314381, MedGen C3539003, MONDO:0013839, OMIM 614653.

gnomAD v4.1: 6 of 1,613,770 alleles (0.00037%); highest among the groups gnomAD compares: Admixed American, 0.0067%; no homozygotes.

Submission:

Labcorp Genetics (formerly Invitae), Labcorp
Classification: Uncertain significance for Epidermolysis bullosa simplex 3, localized or generalized intermediate, with BP230 deficiency; Hereditary sensory and autonomic neuropathy type 6. Last evaluated: 2021-01-18. Review status: criteria provided, single submitter. Criteria: Invitae Variant Classification Sherloc (09022015). Collection method: clinical testing. Allele origin: germline.
Comment: This sequence change replaces glutamine with leucine at codon 3194 of the DST protein (p.Gln3194Leu). The DST gene has multiple clinically relevant transcripts. This variant occurs in alternate transcript NM_015548.4, and corresponds to NM_001723.5:c.*85924A>T in the primary transcript. This variant is not present in population databases (ExAC no frequency). This variant has not been reported in the literature in individuals with DST-related conditions. Experimental studies and prediction algorithms are not available or were not evaluated, and the functional significance of this variant is currently unknown. In summary, the available evidence is currently insufficient to determine the role of this variant in disease. Therefore, it has been classified as a Variant of Uncertain Significance.